The following is an entry in ClinVar:

NM_022455.5(NSD1):c.5910G>C (p.Glu1970Asp)

Gene: NSD1 (nuclear receptor binding SET domain protein 1; plus strand). Cytogenetic location: 5q35.3.
Variant type: single nucleotide variant.
Coding change: c.5910G>C on transcript NM_022455.5 (MANE Select); coding-DNA position 5910, G replaced by C.
Protein change: p.Glu1970Asp; replaces glutamic acid 1970 with aspartic acid.
Molecular consequence: missense variant.
Genome position (GRCh38, 1-based): chr5:177,282,482, G>C. VCF-style: chr5-177282482-G-C. GRCh37 (hg19) VCF-style: chr5-176709483-G-C.
Other names: c.5037G>C, p.Glu1679Asp (NM_001365684.2, NM_001409308.1, NM_001409309.1 and 1 more transcripts); c.5910G>C, p.Glu1970Asp (NM_001409301.1, NM_001409302.1, NM_001409303.1); c.5490G>C, p.Glu1830Asp (NM_001409304.1); c.5157G>C, p.Glu1719Asp (NM_001409305.1); c.5148G>C, p.Glu1716Asp (NM_001409306.1, NM_001409307.1); short protein forms E1970D, E1701D, E1830D, E1679D, E1716D, E1719D.
Identifiers: ClinVar variation 431827 (VCV000431827.2), dbSNP rs1554204594, ClinGen allele CA362315704.

ClinVar aggregate classification (germline): Likely pathogenic (1 of 4 stars; one submission).

Submission:

GeneDx
Classification: Likely pathogenic. Last evaluated: 2017-06-01. Review status: criteria provided, single submitter. Criteria: GeneDx Variant Classification (06012015). Collection method: clinical testing. Allele origin: germline. Affected: yes.
Comment: E1970D has not been published as a pathogenic variant, nor has it been reported as a benign polymorphism to our knowledge. The E1970D variant was not observed in approximately 6,500 individuals of European and African American ancestry in the NHLBI Exome Sequencing Project, indicating it is not a common benign variant in these populations. The E1970D variant is a conservative amino acid substitution, which is not likely to impact secondary protein structure as these residues share similar properties. This substitution occurs at a position that is conserved across species. In silico analysis predicts this variant is probably damaging to the protein structure/function. Missense mutations in nearby residues (I1962T, G1973V, I1976T) have been reported in the Human Gene Mutation Database in association with Sotos syndrome (Stenson et al., 2009), supporting the functional importance of this region of the protein. Therefore, this variant is a strong candidate for a pathogenic variant, however the possibility that it is a benign variant cannot be excluded.